The following is an entry in ClinVar:

ClinVar aggregate classification (germline): Conflicting classifications of pathogenicity. Review status: criteria provided, conflicting classifications (1 of 4 stars). 2 submissions from 2 submitters: Pathogenic (1); Uncertain significance (1). Last evaluated 2026-04-01.

Conditions:
Lethal acantholytic epidermolysis bullosa (EBLA). Identifiers: Orphanet 158687, MedGen C1864826, MONDO:0012323, OMIM 609638.
Cardiovascular phenotype. Identifiers: MedGen CN230736.

Submissions (2):

Department of Genetics, Sultan Qaboos University Hospital
Classification: Uncertain significance for Lethal acantholytic epidermolysis bullosa. Last evaluated: 2026-04-01. Review status: criteria provided, single submitter. Criteria: ACMG Guidelines, 2015. Collection method: clinical testing. Allele origin: germline. Affected: yes. Observed: 1 variant allele.
Comment: PVS1_strong,PP1_Supporting,BS2

Ambry Genetics
Classification: Pathogenic for Cardiovascular phenotype. Last evaluated: 2025-05-16. Review status: criteria provided, single submitter. Criteria: Ambry Variant Classification Scheme 2023. Collection method: clinical testing. Allele origin: germline.
Comment: The c.5719A>T (p.K1907*) alteration, located in exon 24 (coding exon 24) of the DSP gene, consists of a A to T substitution at nucleotide position 5719. This changes the amino acid from a lysine (K) to a stop codon at amino acid position 1907. This alteration occurs at the 3' terminus of the DSP gene, is not expected to trigger nonsense-mediated mRNA decay, and impacts the last 33% of the protein. However, premature stop codons are typically deleterious in nature, a significant portion of the protein is affected, and the impacted region is critical for protein function (Ambry internal data). This variant was not reported in population-based cohorts in the Genome Aggregation Database (gnomAD). Alterations in DSP that result in haploinsufficiency or protein truncation have been reported in patients with arrhythmogenic right ventricular cardiomyopathy (ARVC) and dilated cardiomyopathy (DCM) (Fressart, 2010; Elliott, 2010; Quarta, 2011; Garcia-Pavia, 2011; (Rasmussen, 2013; Pugh, 2014). Based on the available evidence, this alteration is classified as pathogenic.

Literature cited by the submitters: PubMed 20400443 (cited by Ambry Genetics); PubMed 20716751 (cited by Ambry Genetics); PubMed 21606390 (cited by Ambry Genetics); PubMed 21859740 (cited by Ambry Genetics); PubMed 23137101 (cited by Ambry Genetics); PubMed 24503780 (cited by Ambry Genetics).

NM_004415.4(DSP):c.5719A>T (p.Lys1907Ter)

Gene: DSP (desmoplakin; plus strand). Cytogenetic location: 6p24.3.
Variant type: single nucleotide variant.
Coding change: c.5719A>T on transcript NM_004415.4 (MANE Select); coding-DNA position 5719, A replaced by T.
Protein change: p.Lys1907Ter; replaces lysine 1907 with a stop codon.
Molecular consequence: nonsense.
Genome position (GRCh38, 1-based): chr6:7,582,981, A>T. VCF-style: chr6-7582981-A-T. GRCh37 (hg19) VCF-style: chr6-7583214-A-T.
Other names: c.3922A>T, p.Lys1308Ter (NM_001008844.3); c.4390A>T, p.Lys1464Ter (NM_001319034.2); short protein forms K1464*, K1907*, K1308*.
Identifiers: ClinVar variation 4015117 (VCV004015117.2).